The following is an entry in ClinVar:

NM_002755.4(MAP2K1):c.355C>T (p.His119Tyr)

Gene: MAP2K1 (mitogen-activated protein kinase kinase 1; plus strand). Cytogenetic location: 15q22.31.
Variant type: single nucleotide variant.
Coding change: c.355C>T on transcript NM_002755.4 (MANE Select); coding-DNA position 355, C replaced by T.
Protein change: p.His119Tyr; replaces histidine 119 with tyrosine.
Molecular consequence: missense variant.
Genome position (GRCh38, 1-based): chr15:66,436,809, C>T. VCF-style: chr15-66436809-C-T. GRCh37 (hg19) VCF-style: chr15-66729147-C-T.
Other names: short protein forms H119Y.
Identifiers: ClinVar variation 40741 (VCV000040741.15), dbSNP rs730880503, ClinGen allele CA296112.

ClinVar aggregate classification (germline): Pathogenic. Review status: criteria provided, multiple submitters, no conflicts (2 of 4 stars). 3 submissions from 3 submitters: Pathogenic (3). Last evaluated 2026-02-18.

Conditions:
MAP2K1-related disorder. Also called: MAP2K1-related condition; MAP2K1-related disorders.
RASopathy. Also called: Noonan spectrum disorder; rasopathies. Identifiers: Orphanet 536391, MedGen C5555857, MONDO:0021060.
MAP2K1-related rasopathy-like syndrome.

Submissions (3):

Undiagnosed Diseases Network, NIH
Classification: Pathogenic for MAP2K1-related rasopathy-like syndrome. Last evaluated: 2026-02-18. Review status: criteria provided, single submitter. Criteria: ACMG Guidelines, 2015. Collection method: clinical testing. Allele origin: de novo. Inheritance: Autosomal dominant inheritance. Affected: yes. Observed: 1 variant allele, 1 heterozygote. Study: Undiagnosed Diseases Network (NIH), UDN.
Comment: The p.H119Y variant is a non-conservative amino acid substitution that is predicted to impact the tertiary protein structure, and it occurs at a position in the protein kinase domain of MAP2K1 that is highly conserved across species.

Labcorp Genetics (formerly Invitae), Labcorp
Classification: Pathogenic for RASopathy. Last evaluated: 2021-09-17. Review status: criteria provided, single submitter. Criteria: Invitae Variant Classification Sherloc (09022015). Collection method: clinical testing. Allele origin: germline.
Comment: For these reasons, this variant has been classified as Pathogenic. Experimental studies have shown that this missense change affects MAP2K1 function (PMID: 12370306). Algorithms developed to predict the effect of missense changes on protein structure and function (SIFT, PolyPhen-2, Align-GVGD) all suggest that this variant is likely to be disruptive. ClinVar contains an entry for this variant (Variation ID: 40741). This missense change has been observed in individual(s) with clinical features of MAP2K1-related disorders (Invitae). In at least one individual the variant was observed to be de novo. This variant is not present in population databases (ExAC no frequency). This sequence change replaces histidine with tyrosine at codon 119 of the MAP2K1 protein (p.His119Tyr). The histidine residue is highly conserved and there is a moderate physicochemical difference between histidine and tyrosine.

GeneDx
Classification: Pathogenic. Last evaluated: 2019-09-17. Review status: criteria provided, single submitter. Criteria: GeneDx Variant Classification Process June 2021. Collection method: clinical testing. Allele origin: germline. Affected: yes.
Comment: Not observed in large population cohorts (Lek et al., 2016); The majority of missense variants in this gene are considered pathogenic (Stenson et al., 2014); In silico analysis, which includes protein predictors and evolutionary conservation, supports a deleterious effect; This variant is associated with the following publications: (PMID: 26633542, 24755471, 26582713)

Literature cited by the submitters: PubMed 39166407 (cited by Undiagnosed Diseases Network, NIH); PubMed 12370306 (cited by Labcorp Genetics (formerly Invitae), Labcorp).